The following is an entry in ClinVar:

ClinVar aggregate classification (germline): Uncertain significance (1 of 4 stars; one submission).

Conditions:
Symmetrical dyschromatosis of extremities (DSH). Also called: DYSCHROMATOSIS SYMMETRICA HEREDITARIA 1; RETICULATE ACROPIGMENTATION OF DOHI; SYMMETRIC DYSCHROMATOSIS OF THE EXTREMITIES; Dyschromatosis symmetrica hereditaria. Identifiers: Orphanet 41, MedGen C0406775, MONDO:0007483, OMIM 127400.
Aicardi-Goutieres syndrome 6 (AGS6). Identifiers: Orphanet 51, MedGen C3539013, MONDO:0014007, OMIM 615010.

Submission:

Labcorp Genetics (formerly Invitae), Labcorp
Classification: Uncertain significance for Aicardi-Goutieres syndrome 6; Symmetrical dyschromatosis of extremities. Last evaluated: 2021-10-16. Review status: criteria provided, single submitter. Criteria: Invitae Variant Classification Sherloc (09022015). Collection method: clinical testing. Allele origin: germline.
Comment: This sequence change replaces proline with arginine at codon 30 of the ADAR protein (p.Pro30Arg). The proline residue is moderately conserved and there is a moderate physicochemical difference between proline and arginine. This variant is not present in population databases (ExAC no frequency). This variant has not been reported in the literature in individuals affected with ADAR-related conditions. Algorithms developed to predict the effect of missense changes on protein structure and function output the following: SIFT: "Deleterious"; PolyPhen-2: "Benign"; Align-GVGD: "Class C0". The arginine amino acid residue is found in multiple mammalian species, which suggests that this missense change does not adversely affect protein function. In summary, the available evidence is currently insufficient to determine the role of this variant in disease. Therefore, it has been classified as a Variant of Uncertain Significance.

NM_001111.5(ADAR):c.89C>G (p.Pro30Arg)

Gene: ADAR (adenosine deaminase RNA specific; minus strand). Cytogenetic location: 1q21.3.
Variant type: single nucleotide variant.
Coding change: c.89C>G on transcript NM_001111.5 (MANE Select); coding-DNA position 89, C replaced by G.
Protein change: p.Pro30Arg; replaces proline 30 with arginine.
Molecular consequence: missense variant. On other transcripts: 5 prime UTR variant (6).
Genome position (GRCh38, 1-based): chr1:154,602,553, G>C on the plus strand (C>G on the coding strand, the complement: ADAR is on the minus strand). VCF-style: chr1-154602553-G-C. GRCh37 (hg19) VCF-style: chr1-154575029-G-C.
Other names: c.116C>G, p.Pro39Arg (NM_001365045.1); c.-661C>G (NM_001365046.1, NM_001365047.1, NM_001365049.1); c.-797C>G (NM_001365048.1, NM_001025107.3, NM_001193495.2); c.89C>G, p.Pro30Arg (NM_015840.4, NM_015841.4); short protein forms P30R, P39R.
Identifiers: ClinVar variation 1421472 (VCV001421472.6), dbSNP rs2101645907, ClinGen allele CA342607057.